The following is an entry in ClinVar:

NM_024426.6(WT1):c.1198T>C (p.Tyr400His)

Gene: WT1 (WT1 transcription factor; minus strand). Cytogenetic location: 11p13.
Variant type: single nucleotide variant.
Coding change: c.1198T>C on transcript NM_024426.6 (MANE Select); coding-DNA position 1198, T replaced by C.
Protein change: p.Tyr400His; replaces tyrosine 400 with histidine.
Molecular consequence: missense variant. On other transcripts: non-coding transcript variant (1).
Genome position (GRCh38, 1-based): chr11:32,396,323, A>G on the plus strand (T>C on the coding strand, the complement: WT1 is on the minus strand). VCF-style: chr11-32396323-A-G. GRCh37 (hg19) VCF-style: chr11-32417869-A-G.
Other names: c.1147T>C, p.Tyr383His (NM_000378.6, NM_001407045.1, NM_001407048.1 and 1 more transcripts); c.547T>C, p.Tyr183His (NM_001198551.2); c.496T>C, p.Tyr166His (NM_001198552.2); c.10T>C, p.Tyr4His (NM_001367854.1); c.1192T>C, p.Tyr398His (NM_001407044.1); c.1198T>C, p.Tyr400His (NM_001407046.1, NM_024424.5); c.1075T>C, p.Tyr359His (NM_001407047.1); c.1024T>C, p.Tyr342His (NM_001407050.1); and 2 more; short protein forms Y183H, Y400H, Y383H, Y4H, Y166H, Y146H, Y342H, Y359H.
Identifiers: ClinVar variation 304419 (VCV000304419.19), dbSNP rs746353651, ClinGen allele CA064344.

ClinVar aggregate classification (germline): Conflicting classifications of pathogenicity. Review status: criteria provided, conflicting classifications (1 of 4 stars). 9 submissions from 7 submitters: Uncertain significance (8); Likely benign (1). Last evaluated 2026-02-11.

Conditions:
Wilms tumor 1 (WT1). Also called: Wilms tumor, somatic. Identifiers: Orphanet 654, MedGen CN033288, MONDO:0008679, OMIM 194070.
Frasier syndrome. Identifiers: Orphanet 347, MedGen C0950122, MeSH D052159, MONDO:0007635, OMIM 136680.
11p partial monosomy syndrome (WAGR). Also called: CHROMOSOME 11p13 DELETION SYNDROME; WAGR syndrome; WAGR Complex; WAGR Spectrum Disorder. Identifiers: Orphanet 893, MedGen C0206115, MONDO:0008681, OMIM 194072.
Drash syndrome (DDS). Also called: NEPHROPATHY, WILMS TUMOR, AND GENITAL ANOMALIES; WILMS TUMOR AND PSEUDO- OR TRUE HERMAPHRODITISM. Identifiers: Orphanet 220, MedGen C0950121, MONDO:0008682, OMIM 194080.
Inborn genetic diseases. Identifiers: MedGen C0950123, MeSH D030342.
Meacham syndrome. Also called: Meacham Winn Culler syndrome. Identifiers: Orphanet 3097, MedGen C1837026, MONDO:0012164, OMIM 608978.
Mesothelioma, malignant (MESOM). Also called: Malignant mesothelioma (disease). Identifiers: Orphanet 50251, MedGen C0345967, MONDO:0006292, OMIM 156240, HP:0100001.
Nephrotic syndrome, type 4 (NPHS4). Also called: Familial mesangial sclerosis; Nephrotic syndrome, early onset with diffuse mesangial sclerosis. Identifiers: Orphanet 656, MedGen C3151568, MONDO:0009733, OMIM 256370.

Allele frequency attached by ClinVar (database versions not stated): gnomAD 0.00001; ExAC 0.00002; gnomAD exomes 0.00002; TOPMed 0.00002.
gnomAD v4.1: 27 of 1,614,198 alleles (0.0017%); highest among the groups gnomAD compares: Non-Finnish European, 0.0021%; no homozygotes.

Submissions (9):

St. Jude Molecular Pathology, St. Jude Children's Research Hospital
Classification: Uncertain significance for Wilms tumor 1. Last evaluated: 2026-02-11. Review status: criteria provided, single submitter. Criteria: St. Jude Assertion Criteria 2020. Collection method: clinical testing. Allele origin: germline.
Comment: The WT1 c.1147T>C p.(Tyr383His) missense change has a maximum subpopulation frequency of 0.005% in gnomAD v2.1.1. The in silico tool REVEL is inconclusive about a pathogenic or benign effect of this variant on protein function, and to our knowledge functional studies have not been performed. To our knowledge, this variant has not been reported in individuals with WT1-related conditions. In summary, the evidence currently available is insufficient to determine the clinical significance of this variant. It has therefore been classified as of uncertain significance.

Labcorp Genetics (formerly Invitae), Labcorp
Classification: Uncertain significance for Wilms tumor 1; Drash syndrome; 11p partial monosomy syndrome; Frasier syndrome. Last evaluated: 2025-12-29. Review status: criteria provided, single submitter. Criteria: Invitae Variant Classification Sherloc (09022015). Collection method: clinical testing. Allele origin: germline.
Comment: This sequence change replaces tyrosine, which is neutral and polar, with histidine, which is basic and polar, at codon 395 of the WT1 protein (p.Tyr395His). This variant is present in population databases (rs746353651, gnomAD 0.004%). This variant has not been reported in the literature in individuals affected with WT1-related conditions. ClinVar contains an entry for this variant (Variation ID: 304419). Invitae Evidence Modeling of protein sequence and biophysical properties (such as structural, functional, and spatial information, amino acid conservation, physicochemical variation, residue mobility, and thermodynamic stability) has been performed for this missense variant. However, the output from this modeling did not meet the statistical confidence thresholds required to predict the impact of this variant on WT1 protein function. In summary, the available evidence is currently insufficient to determine the role of this variant in disease. Therefore, it has been classified as a Variant of Uncertain Significance.

Color Diagnostics, LLC DBA Color Health
Classification: Uncertain significance for Wilms tumor 1. Last evaluated: 2025-06-12. Review status: criteria provided, single submitter. Criteria: ACMG Guidelines, 2015. Collection method: clinical testing. Allele origin: germline.
Comment: This missense variant replaces tyrosine with histidine at codon 395 in the WT1 protein. Computational prediction suggests that this variant may not impact protein structure and function. To our knowledge, functional studies have not been reported for this variant. This variant has not been reported as germline in individuals affected with WT1-related disorders in the literature. This variant has been identified in 7/282868 chromosomes in the general population by the Genome Aggregation Database (gnomAD). The available evidence is insufficient to determine the role of this variant in disease conclusively. Therefore, this variant is classified as a Variant of Uncertain Significance.

Ambry Genetics
Classification: Uncertain significance for Inborn genetic diseases. Last evaluated: 2024-12-25. Review status: criteria provided, single submitter. Criteria: Ambry Variant Classification Scheme 2023. Collection method: clinical testing. Allele origin: germline.
Comment: The p.Y395H variant (also known as c.1183T>C), located in coding exon 7 of the WT1 gene, results from a T to C substitution at nucleotide position 1183. The tyrosine at codon 395 is replaced by histidine, an amino acid with similar properties. This amino acid position is conserved. In addition, this alteration is predicted to be tolerated by in silico analysis. Based on the available evidence, the clinical significance of this variant remains unclear.

Fulgent Genetics
Classification: Uncertain significance for Frasier syndrome; Mesothelioma, malignant; Wilms tumor 1; Drash syndrome; Nephrotic syndrome, type 4; Meacham syndrome. Last evaluated: 2024-01-24. Review status: criteria provided, single submitter. Criteria: ACMG Guidelines, 2015. Collection method: clinical testing. Allele origin: germline.

GeneDx
Classification: Uncertain significance. Last evaluated: 2024-01-08. Review status: criteria provided, single submitter. Criteria: GeneDx Variant Classification Process June 2021. Collection method: clinical testing. Allele origin: germline. Affected: yes.
Comment: In silico analysis supports that this missense variant has a deleterious effect on protein structure/function; Has not been previously published as pathogenic or benign to our knowledge; This variant is associated with the following publications: (PMID: 17361230)

Illumina Laboratory Services, Illumina
Classification: Uncertain significance for Nephrotic syndrome, type 4. Last evaluated: 2018-01-12. Review status: criteria provided, single submitter. Criteria: ICSL Variant Classification Criteria 13 December 2019. Collection method: clinical testing. Allele origin: germline.

Illumina Laboratory Services, Illumina
Classification: Uncertain significance for Wilms tumor 1. Last evaluated: 2018-01-12. Review status: criteria provided, single submitter. Criteria: ICSL Variant Classification Criteria 13 December 2019. Collection method: clinical testing. Allele origin: germline.

Illumina Laboratory Services, Illumina
Classification: Likely benign for Meacham syndrome. Last evaluated: 2018-01-12. Review status: criteria provided, single submitter. Criteria: ICSL Variant Classification Criteria 13 December 2019. Collection method: clinical testing. Allele origin: germline.
Comment: This variant was observed in the ICSL laboratory as part of a predisposition screen in an ostensibly healthy population. It had not been previously curated by ICSL or reported in the Human Gene Mutation Database (HGMD: prior to June 1st, 2018), and was therefore a candidate for classification through an automated scoring system. Utilizing variant allele frequency, disease prevalence and penetrance estimates, and inheritance mode, an automated score was calculated to assess if this variant is too frequent to cause the disease. Based on the score and internal cut-off values, a variant classified as likely benign is not then subjected to further curation. The score for this variant resulted in a classification of likely benign for this disease.